The following is an entry in ClinVar:

NM_021098.3(CACNA1H):c.617C>G (p.Pro206Arg)

Gene: CACNA1H (calcium voltage-gated channel subunit alpha1 H; plus strand). Cytogenetic location: 16p13.3.
Variant type: single nucleotide variant.
Coding change: c.617C>G on transcript NM_021098.3 (MANE Select); coding-DNA position 617, C replaced by G.
Protein change: p.Pro206Arg; replaces proline 206 with arginine.
Molecular consequence: missense variant.
Genome position (GRCh38, 1-based): chr16:1,195,997, C>G. VCF-style: chr16-1195997-C-G. GRCh37 (hg19) VCF-style: chr16-1245997-C-G.
Other names: c.617C>G, p.Pro206Arg (NM_001005407.2); short protein forms P206R.
Identifiers: ClinVar variation 857196 (VCV000857196.9), dbSNP rs1005279922, ClinGen allele CA394153499.

ClinVar aggregate classification (germline): Uncertain significance (1 of 4 stars; one submission).

Conditions:
Idiopathic generalized epilepsy. Also called: Generalised epilepsy; EIG. Identifiers: MedGen C0270850, MONDO:0005579, OMIM 600669.
Hyperaldosteronism, familial, type IV (HALD4). Also called: FH IV; ALDOSTERONISM, PRIMARY, AND HYPERTENSION. Identifiers: Orphanet 642671, MedGen C4310756, MONDO:0014875, OMIM 617027.

Submission:

Labcorp Genetics (formerly Invitae), Labcorp
Classification: Uncertain significance for Idiopathic generalized epilepsy; Hyperaldosteronism, familial, type IV. Last evaluated: 2019-04-10. Review status: criteria provided, single submitter. Criteria: Invitae Variant Classification Sherloc (09022015). Collection method: clinical testing. Allele origin: germline.
Comment: In summary, the available evidence is currently insufficient to determine the role of this variant in disease. Therefore, it has been classified as a Variant of Uncertain Significance. Algorithms developed to predict the effect of missense changes on protein structure and function are either unavailable or do not agree on the potential impact of this missense change (SIFT: "Deleterious"; PolyPhen-2: "Probably Damaging"; Align-GVGD: "Class C0"). This variant has not been reported in the literature in individuals with CACNA1H-related conditions. This variant is not present in population databases (ExAC no frequency). This sequence change replaces proline with arginine at codon 206 of the CACNA1H protein (p.Pro206Arg). The proline residue is highly conserved and there is a moderate physicochemical difference between proline and arginine.